The following is an entry in ClinVar:

ClinVar aggregate classification (germline): Benign/Likely benign. Review status: criteria provided, multiple submitters, no conflicts (2 of 4 stars). 4 submissions from 4 submitters: Benign (1); Likely benign (3). Last evaluated 2026-01-05.

Conditions:
Hereditary cancer-predisposing syndrome. Also called: Neoplastic Syndromes, Hereditary; Hereditary Cancer Syndrome; Tumor predisposition; Hereditary neoplastic syndrome. Identifiers: Orphanet 140162, MedGen C0027672, MeSH D009386, MONDO:0015356.
Oligodontia-cancer predisposition syndrome. Also called: TOOTH AGENESIS-COLORECTAL CANCER SYNDROME. Identifiers: Orphanet 300576, MedGen C1837750, MONDO:0012075, OMIM 608615. Disease mechanism: loss of function.

Allele frequency attached by ClinVar (database versions not stated): gnomAD exomes below 0.00001; ExAC 0.00002.
gnomAD v4.1: 3 of 1,614,174 alleles (0.00019%); highest among the groups gnomAD compares: Non-Finnish European, 0.00025%; no homozygotes.

Submissions (4):

Labcorp Genetics (formerly Invitae), Labcorp
Classification: Likely benign for Oligodontia-cancer predisposition syndrome. Last evaluated: 2026-01-05. Review status: criteria provided, single submitter. Criteria: Invitae Variant Classification Sherloc (09022015). Collection method: clinical testing. Allele origin: germline.

Myriad Genetics, Inc.
Classification: Benign for Oligodontia-cancer predisposition syndrome. Last evaluated: 2024-06-27. Review status: criteria provided, single submitter. Criteria: Myriad Autosomal Dominant, Autosomal Recessive and X-Linked Classification Criteria (2023). Collection method: clinical testing. Allele origin: unknown.
Comment: This variant is considered benign. This variant is a silent/synonymous amino acid change and it is not expected to impact splicing.

Ambry Genetics
Classification: Likely benign for Hereditary cancer-predisposing syndrome. Last evaluated: 2020-09-14. Review status: criteria provided, single submitter. Criteria: Ambry Variant Classification Scheme 2023. Collection method: clinical testing. Allele origin: germline.

GeneDx
Classification: Likely benign. Last evaluated: 2016-12-09. Review status: criteria provided, single submitter. Criteria: GeneDx Variant Classification (06012015). Collection method: clinical testing. Allele origin: germline. Affected: yes.
Comment: This variant is considered likely benign or benign based on one or more of the following criteria: it is a conservative change, it occurs at a poorly conserved position in the protein, it is predicted to be benign by multiple in silico algorithms, and/or has population frequency not consistent with disease.

NM_004655.4(AXIN2):c.681C>T (p.Thr227=)

Gene: AXIN2 (axin 2; minus strand). Cytogenetic location: 17q24.1.
Variant type: single nucleotide variant.
Coding change: c.681C>T on transcript NM_004655.4 (MANE Select); coding-DNA position 681, C replaced by T.
Protein change: p.Thr227=; no amino-acid change (threonine 227 retained).
Molecular consequence: synonymous variant.
Genome position (GRCh38, 1-based): chr17:65,557,940, G>A on the plus strand (C>T on the coding strand, the complement: AXIN2 is on the minus strand). VCF-style: chr17-65557940-G-A. GRCh37 (hg19) VCF-style: chr17-63554058-G-A.
Other names: c.681C>T (LRG_296t1); c.681C>T, p.Thr227= (NM_001363813.1).
Identifiers: ClinVar variation 391676 (VCV000391676.12), dbSNP rs773740267, ClinGen allele CA8719010.